The following is an entry in ClinVar:

ClinVar aggregate classification (germline): Pathogenic. Review status: criteria provided, multiple submitters, no conflicts (2 of 4 stars). 2 submissions from 2 submitters: Pathogenic (2). Last evaluated 2025-03-28.

Conditions:
Osteogenesis imperfecta, perinatal lethal (OI2). Also called: OSTEOGENESIS IMPERFECTA, TYPE II; Osteogenesis imperfecta, dominant perinatal lethal; OI, TYPE II; OSTEOGENESIS IMPERFECTA CONGENITA; VROLIK TYPE OF OSTEOGENESIS IMPERFECTA; Osteogenesis imperfecta type 2. Identifiers: Orphanet 216804, MedGen C0268358, MONDO:0008147, OMIM 166210.

Submissions (2):

GeneDx
Classification: Pathogenic. Last evaluated: 2025-03-28. Review status: criteria provided, single submitter. Criteria: GeneDx Variant Classification Process June 2021. Collection method: clinical testing. Allele origin: germline. Affected: yes.
Comment: Damages or destroys the splice donor site in intron 44, and is expected to cause abnormal gene splicing; if the splice outcome is exon skipping, the loss of the encoded residues in the triple helical region is expected to disrupt normal protein folding and function, and this is an established mechanism of disease (HGMD); Not observed at significant frequency in large population cohorts (gnomAD); This variant is associated with the following publications: (PMID: 30715774)

Mendelics
Classification: Pathogenic for Osteogenesis imperfecta, perinatal lethal. Last evaluated: 2022-05-04. Review status: criteria provided, single submitter. Criteria: Mendelics Assertion Criteria 2019. Collection method: clinical testing. Allele origin: germline.

NM_000089.4(COL1A2):c.2943+1_2943+2del

Gene: COL1A2 (collagen type I alpha 2 chain; plus strand). Cytogenetic location: 7q21.3.
Variant type: Deletion.
Coding change: c.2943+1_2943+2del on transcript NM_000089.4 (MANE Select); the canonical splice donor site of the intron after coding-DNA position 2943, 2 bases deleted (GT; older notation c.2943+1_2943+2delGT).
Molecular consequence: splice donor variant.
Genome position (GRCh38, 1-based): chr7:94,425,858-94,425,859, GT deleted; deleting any 2 consecutive bases within chr7:94,425,857-94,425,859 gives the same sequence; the c. name uses the placement nearest the transcript's 3' end. VCF-style (leftmost placement, unchanged base first): chr7-94425856-CTG-C. GRCh37 (hg19) VCF-style: chr7-94055168-CTG-C.
Other names: c.2943+1_2943+2delGT (NM_000089.3).
Identifiers: ClinVar variation 546427 (VCV000546427.4), dbSNP rs1554398361, ClinGen allele CA658821800.
Genomic context (GRCh38, chr7:94,425,856, plus strand): 5'-GTGCACCTGGTCCTCATGGCCCCGTGGGTCCTGCTGGCAAACATGGAAACCGTGGTGAAA[CTG>C]TAAGTTTGTGAATACCAGTCCCTCAGTGCAGCATTCTCGTGGGCTTCACTTCTGACTTCC-3'